The following is an entry in ClinVar:

ClinVar aggregate classification (germline): Uncertain significance (1 of 4 stars; one submission).

Submission:

Dasa
Classification: Uncertain significance. Last evaluated: 2025-11-05. Review status: criteria provided, single submitter. Criteria: DASA Assertion Criteria. Collection method: clinical testing. Allele origin: germline.
Comment: NM_138459.5(NUS1):c.528C>G (p.Asp176Glu) is a missense variant that results in the substitution of aspartic acid with glutamic acid. This variant is rare in population databases. Computational prediction algorithms are consistent with a benign effect. The currently available literature and clinical evidence are not sufficient to establish a definitive association between this variant and the reported condition. Therefore, this variant is classified as a variant of uncertain significance.

NM_138459.5(NUS1):c.528C>G (p.Asp176Glu)

Gene: NUS1 (NUS1 dehydrodolichyl diphosphate synthase subunit; plus strand). Cytogenetic location: 6q22.1.
Variant type: single nucleotide variant.
Coding change: c.528C>G on transcript NM_138459.5 (MANE Select); coding-DNA position 528, C replaced by G.
Protein change: p.Asp176Glu; replaces aspartic acid 176 with glutamic acid.
Molecular consequence: missense variant.
Genome position (GRCh38, 1-based): chr6:117,693,154, C>G. VCF-style: chr6-117693154-C-G. GRCh37 (hg19) VCF-style: chr6-118014317-C-G.
Other names: short protein forms D176E.
Identifiers: ClinVar variation 4884972 (VCV004884972.2).